The following is an entry in ClinVar:

ClinVar aggregate classification (germline): Benign (1 of 4 stars; one submission).

Submission:

CeGaT Center for Human Genetics Tuebingen
Classification: Benign. Last evaluated: 2025-10-01. Review status: criteria provided, single submitter. Criteria: CeGaT Center For Human Genetics Tuebingen Variant Classification Criteria Version 2. Collection method: clinical testing. Allele origin: germline. Affected: yes. Observed: 4 variant alleles.
Comment: BEAN1: BS1, BS2

NM_001197224.4(BEAN1):c.152-2545A>C

Gene: BEAN1 (brain expressed associated with NEDD4 1; plus strand). Cytogenetic location: 16q21.
Variant type: single nucleotide variant.
Coding change: c.152-2545A>C on transcript NM_001197224.4; 2545 bases into the intron before coding-DNA position 152, A replaced by C.
Molecular consequence: intron variant.
Genome position (GRCh38, 1-based): chr16:66,490,417, A>C. VCF-style: chr16-66490417-A-C. GRCh37 (hg19) VCF-style: chr16-66524320-A-C.
Identifiers: ClinVar variation 3771997 (VCV003771997.13).
Genomic context (GRCh38, chr16:66,490,417, plus strand): 5'-ACTGCACTCCAGCCTGGGCAACAAAACAAGACTCTGTTTCAATAAAATAAAATAAAATAA[A>C]ATAAAATAAAATAAAATAAAATAAAATAAAATAAAATAATAAAATAAAAAGAAACCTCTA-3'